The following is an entry in ClinVar:

NM_014324.6(AMACR):c.829G>A (p.Glu277Lys)

Genes: AMACR (alpha-methylacyl-CoA racemase; minus strand), C1QTNF3-AMACR (C1QTNF3-AMACR readthrough (NMD candidate); minus strand). Cytogenetic location: 5p13.2.
Variant type: single nucleotide variant.
Coding change: c.829G>A on transcript NM_014324.6 (MANE Select); coding-DNA position 829, G replaced by A.
Protein change: p.Glu277Lys; replaces glutamic acid 277 with lysine.
Molecular consequence: missense variant. On other transcripts: non-coding transcript variant (1), 3 prime UTR variant (1).
Genome position (GRCh38, 1-based): chr5:33,989,413, C>T on the plus strand (G>A on the coding strand, the complement: AMACR is on the minus strand). VCF-style: chr5-33989413-C-T. GRCh37 (hg19) VCF-style: chr5-33989518-C-T.
Other names: c.829G>A, p.Glu277Lys (NM_001167595.2); c.*71G>A (NM_203382.3); short protein forms E277K.
Identifiers: ClinVar variation 128360 (VCV000128360.28), dbSNP rs2278008, ClinGen allele CA151767.

ClinVar aggregate classification (germline): Benign/Likely benign. Review status: criteria provided, multiple submitters, no conflicts (2 of 4 stars). 10 submissions from 9 submitters: Benign (7); Likely benign (1). 2 of the submissions do not count toward it. Last evaluated 2026-02-04.

Conditions:
Congenital bile acid synthesis defect 4 (CBAS4). Also called: TRIHYDROXYCOPROSTANIC ACID IN BILE; CHOLESTASIS, INTRAHEPATIC, WITH DEFECTIVE CONVERSION OF TRIHYDROXYCOPROSTANIC ACID TO CHOLIC ACID. Identifiers: Orphanet 79095, MedGen C1858328, MONDO:0008967, OMIM 214950.
Alpha-methylacyl-CoA racemase deficiency (AMACRD). Also called: AMACR deficiency. Identifiers: Orphanet 79095, MedGen C3280428, MONDO:0013681, OMIM 614307. Disease mechanism: loss of function.

Allele frequency attached by ClinVar (database versions not stated): TOPMed 0.74582; gnomAD 0.75062 and 0.74033; ESP Exome Variant Server 0.75911; 1000 Genomes Project 0.69609; 1000 Genomes Project 30x 0.70003; gnomAD exomes 0.70108 and 0.72874; ExAC 0.70160.
gnomAD v4.1: 1,177,512 of 1,613,936 alleles (73%); highest among the groups gnomAD compares: East Asian, 85%; 435,111 homozygotes.

Submissions (10):

Labcorp Genetics (formerly Invitae), Labcorp
Classification: Benign for Alpha-methylacyl-CoA racemase deficiency. Last evaluated: 2026-02-04. Review status: criteria provided, single submitter. Criteria: Invitae Variant Classification Sherloc (09022015). Collection method: clinical testing. Allele origin: germline.

Blueprint Genetics
Classification: Likely benign. Last evaluated: 2024-11-27. Review status: criteria provided, single submitter. Criteria: ACMG Guidelines, 2015. Collection method: clinical testing. Allele origin: germline.

Genome-Nilou Lab
Classification: Benign for Alpha-methylacyl-CoA racemase deficiency. Last evaluated: 2021-07-14. Review status: criteria provided, single submitter. Criteria: ACMG Guidelines, 2015. Collection method: clinical testing. Allele origin: germline. Affected: no.

Genome-Nilou Lab
Classification: Benign for Congenital bile acid synthesis defect 4. Last evaluated: 2021-07-14. Review status: criteria provided, single submitter. Criteria: ACMG Guidelines, 2015. Collection method: clinical testing. Allele origin: germline. Affected: no.

Mendelics
Classification: Benign for Alpha-methylacyl-CoA racemase deficiency. Last evaluated: 2019-05-28. Review status: criteria provided, single submitter. Criteria: Mendelics Assertion Criteria 2017. Collection method: clinical testing. Allele origin: unknown.

Illumina Laboratory Services, Illumina
Classification: Benign for Alpha-methylacyl-CoA racemase deficiency. Last evaluated: 2018-03-06. Review status: criteria provided, single submitter. Criteria: ICSL Variant Classification Criteria 13 December 2019. Collection method: clinical testing. Allele origin: germline.
Comment: This variant was observed in the ICSL laboratory as part of a predisposition screen in an ostensibly healthy population. It had not been previously curated by ICSL or reported in the Human Gene Mutation Database (HGMD: prior to June 1st, 2018), and was therefore a candidate for classification through an automated scoring system. Utilizing variant allele frequency, disease prevalence and penetrance estimates, and inheritance mode, an automated score was calculated to assess if this variant is too frequent to cause the disease. Based on the score and internal cut-off values, a variant classified as benign is not then subjected to further curation. The score for this variant resulted in a classification of benign for this disease.

GeneDx
Classification: Benign. Last evaluated: 2016-01-05. Review status: criteria provided, single submitter. Criteria: GeneDx Variant Classification (06012015). Collection method: clinical testing. Allele origin: germline. Affected: yes.
Comment: This variant is considered likely benign or benign based on one or more of the following criteria: it is a conservative change, it occurs at a poorly conserved position in the protein, it is predicted to be benign by multiple in silico algorithms, and/or has population frequency not consistent with disease.

Breakthrough Genomics
Classification: Benign. Review status: criteria provided, single submitter. Criteria: ACMG Guidelines, 2015. Collection method: not provided. Allele origin: germline. Inheritance: Autosomal recessive inheritance. Affected: yes.

Mayo Clinic Laboratories, Mayo Clinic
Classification: Benign. Last evaluated: 2015-10-22. Review status: no assertion criteria provided. Collection method: clinical testing. Allele origin: unknown. Not counted in ClinVar's aggregate classification.

Genetic Services Laboratory, University of Chicago
Classification: Likely benign for AllHighlyPenetrant. Review status: no assertion criteria provided. Collection method: clinical testing. Allele origin: germline. Inheritance: Autosomal recessive inheritance. Not counted in ClinVar's aggregate classification.
Comment: Likely benign based on allele frequency in 1000 Genomes Project or ESP global frequency and its presence in a patient with a rare or unrelated disease phenotype. NOT Sanger confirmed.